The following is an entry in ClinVar:

NM_000214.3(JAG1):c.3337AAC[1] (p.Asn1114del)

Gene: JAG1 (jagged canonical Notch ligand 1; minus strand). Cytogenetic location: 20p12.2.
Variant type: Microsatellite.
Coding change: c.3337AAC[1] on transcript NM_000214.3 (MANE Select); one copy of the 3-base unit AAC starting at c.3337; the reference has two copies in a row; one copy, 3 bases deleted.
Protein change: p.Asn1114del; deletes asparagine 1114.
Molecular consequence: inframe deletion.
Genome position (GRCh38, 1-based): chr20:10,639,813-10,639,815, GTT deleted on the plus strand (AAC on the coding strand, the reverse complement: JAG1 is on the minus strand); deleting any 3 consecutive bases within chr20:10,639,813-10,639,819 gives the same sequence; the position shown is the placement nearest the transcript's 3' end. VCF-style (leftmost placement, unchanged base first): chr20-10639812-CGTT-C. GRCh37 (hg19) VCF-style: chr20-10620460-CGTT-C.
Other names: short protein forms N1114del.
Identifiers: ClinVar variation 4993117 (VCV004993117.1).

ClinVar aggregate classification (germline): Uncertain significance (1 of 4 stars; one submission).

Conditions:
JAG1-related disorder. Also called: JAG1-related condition; JAG1-related disorders.

Submission:

PreventionGenetics, part of Exact Sciences
Classification: Uncertain significance for JAG1-related condition. Last evaluated: 2026-05-28. Review status: criteria provided, single submitter. Criteria: ACMG Guidelines, 2015. Collection method: clinical testing. Allele origin: germline.
Comment: The JAG1 c.3340_3342delAAC variant is predicted to result in an in-frame deletion (p.Asn1114del). To our knowledge, this variant has not been reported in the literature or in a large population database (gnomAD), indicating this variant is rare. At this time, the clinical significance of this variant is uncertain due to the absence of conclusive functional and genetic evidence.